The following is an entry in ClinVar:

NM_145698.5(ACBD5):c.22G>A (p.Ala8Thr)

Genes: ACBD5 (acyl-CoA binding domain containing 5; minus strand), LOC130003557 (ATAC-STARR-seq lymphoblastoid active region 3182; plus strand). Cytogenetic location: 10p12.1.
Variant type: single nucleotide variant.
Coding change: c.22G>A on transcript NM_145698.5 (MANE Select); coding-DNA position 22, G replaced by A.
Protein change: p.Ala8Thr; replaces alanine 8 with threonine.
Molecular consequence: missense variant. On other transcripts: 5 prime UTR variant (10), intron variant (8).
Genome position (GRCh38, 1-based): chr10:27,240,478, C>T on the plus strand (G>A on the coding strand, the complement: ACBD5 is on the minus strand). VCF-style: chr10-27240478-C-T. GRCh37 (hg19) VCF-style: chr10-27529407-C-T.
Other names: c.-84G>A (NM_001042473.4, NM_001352574.2, NM_001352576.2 and 3 more transcripts); c.16G>A, p.Ala6Thr (NM_001271512.3, NM_001352571.1, NM_001352586.1 and 1 more transcripts); c.-185G>A (NM_001301251.2, NM_001301252.2, NM_001301254.2 and 1 more transcripts); c.22G>A, p.Ala8Thr (NM_001352569.1, NM_001352570.1, NM_001352573.1 and 2 more transcripts); c.-181-4G>A (NM_001301253.2, NM_001352583.1, NM_001352585.1); c.-80-4G>A (NM_001352580.2, NM_001352577.2, NM_001352575.2); c.47-4G>A (NM_001352572.1, NM_001352568.1); short protein forms A6T, A8T.
Identifiers: ClinVar variation 1020413 (VCV001020413.9), dbSNP rs1226823476, ClinGen allele CA376378940.
Genomic context (GRCh38, chr10:27,240,478, plus strand): 5'-GGTCCCAAGGTCTGTCGGCGGGAATCAGGCAGCAGCAGCACCAGCTTTCCCAAGAGCCTG[C>T]ATGAAACTGGAACATGGAGCGCAGCCGCGGATCAACATGCCCCAAAAGGAGGAGGCCCGG-3'
Protein context (NP_663736.2, residues 1-18): MLFLSFH[Ala8Thr]GSWESWCCCC

ClinVar aggregate classification (germline): Uncertain significance (1 of 4 stars; one submission).

Allele frequency attached by ClinVar (database versions not stated): gnomAD exomes below 0.00001; TOPMed below 0.00001.

Submission:

Labcorp Genetics (formerly Invitae), Labcorp
Classification: Uncertain significance. Last evaluated: 2020-09-03. Review status: criteria provided, single submitter. Criteria: Invitae Variant Classification Sherloc (09022015). Collection method: clinical testing. Allele origin: germline.
Comment: This sequence change replaces alanine with threonine at codon 8 of the ACBD5 protein (p.Ala8Thr). The alanine residue is weakly conserved and there is a small physicochemical difference between alanine and threonine. In summary, the available evidence is currently insufficient to determine the role of this variant in disease. Therefore, it has been classified as a Variant of Uncertain Significance. Algorithms developed to predict the effect of missense changes on protein structure and function are either unavailable or do not agree on the potential impact of this missense change (SIFT: "Deleterious"; PolyPhen-2: "Possibly Damaging"; Align-GVGD: "Class C0"). This variant has not been reported in the literature in individuals with ACBD5-related conditions. This variant is not present in population databases (ExAC no frequency).